The following is an entry in ClinVar:

ClinVar aggregate classification (germline): Uncertain significance (1 of 4 stars; one submission).

Submission:

GeneDx
Classification: Uncertain significance. Last evaluated: 2025-02-18. Review status: criteria provided, single submitter. Criteria: GeneDx Variant Classification Process June 2021. Collection method: clinical testing. Allele origin: germline. Affected: yes.
Comment: Not observed at significant frequency in large population cohorts (gnomAD); In-frame deletion of 1 amino acid in a non-repeat region; In silico analysis supports a deleterious effect on protein structure/function; Has not been previously published as pathogenic or benign to our knowledge

NM_004568.6(SERPINB6):c.693CAT[1] (p.Ile232del)

Gene: SERPINB6 (serpin family B member 6; minus strand). Cytogenetic location: 6p25.2.
Variant type: Microsatellite.
Coding change: c.693CAT[1] on transcript NM_004568.6 (MANE Select); one copy of the 3-base unit CAT starting at c.693; the reference has two copies in a row; one copy, 3 bases deleted.
Protein change: p.Ile232del; deletes isoleucine 232.
Molecular consequence: inframe deletion. On other transcripts: non-coding transcript variant (1).
Genome position (GRCh38, 1-based): chr6:2,948,945-2,948,947, ATG deleted on the plus strand (CAT on the coding strand, the reverse complement: SERPINB6 is on the minus strand); deleting any 3 consecutive bases within chr6:2,948,945-2,948,952 gives the same sequence; the position shown is the placement nearest the transcript's 3' end. VCF-style (leftmost placement, unchanged base first): chr6-2948944-CATG-C. GRCh37 (hg19) VCF-style: chr6-2949178-CATG-C.
Other names: c.705CAT[1], p.Ile236del (NM_001195291.3, NM_001374515.1); c.735CAT[1], p.Ile246del (NM_001271822.2); c.750CAT[1], p.Ile251del (NM_001271823.2); c.693CAT[1], p.Ile232del (NM_001271824.2, NM_001271825.2, NM_001297699.2 and 2 more transcripts); c.561CAT[1], p.Ile188del (NM_001374517.1); short protein forms I188del, I232del, I236del, I246del, I251del.
Identifiers: ClinVar variation 4076664 (VCV004076664.1).